The following is an entry in ClinVar:

NM_173477.5(USH1G):c.145C>T (p.Arg49Cys)

Gene: USH1G (USH1 protein network component sans; minus strand). Cytogenetic location: 17q25.1.
Variant type: single nucleotide variant.
Coding change: c.145C>T on transcript NM_173477.5 (MANE Select); coding-DNA position 145, C replaced by T.
Protein change: p.Arg49Cys; replaces arginine 49 with cysteine.
Molecular consequence: missense variant. On other transcripts: 5 prime UTR variant (1).
Genome position (GRCh38, 1-based): chr17:74,922,929, G>A on the plus strand (C>T on the coding strand, the complement: USH1G is on the minus strand). VCF-style: chr17-74922929-G-A. GRCh37 (hg19) VCF-style: chr17-72919024-G-A.
Other names: c.145C>T (NM_173477.2); c.-112C>T (NM_001282489.3); short protein forms R49C.
Identifiers: ClinVar variation 846111 (VCV000846111.9), dbSNP rs769657993, ClinGen allele CA8754130.

ClinVar aggregate classification (germline): Uncertain significance. Review status: criteria provided, multiple submitters, no conflicts (2 of 4 stars). 3 submissions from 3 submitters: Uncertain significance (2). 1 of the submissions does not count toward it. Last evaluated 2025-09-25.

Conditions:
Inborn genetic diseases. Identifiers: MedGen C0950123, MeSH D030342.
Retinal dystrophy. Also called: Inherited retinal dystrophy. Identifiers: Orphanet 71862, MedGen C0854723, MeSH D058499, MONDO:0019118, HP:0000556.

Allele frequency attached by ClinVar (database versions not stated): TOPMed 0.00002; ExAC 0.00011.
gnomAD v4.1: 56 of 1,547,274 alleles (0.0036%); highest among the groups gnomAD compares: Non-Finnish European, 0.0043%; no homozygotes.

Submissions (3):

Ambry Genetics
Classification: Uncertain significance for Inborn genetic diseases. Last evaluated: 2025-09-25. Review status: criteria provided, single submitter. Criteria: Ambry Variant Classification Scheme 2023. Collection method: clinical testing. Allele origin: germline.

Labcorp Genetics (formerly Invitae), Labcorp
Classification: Uncertain significance. Last evaluated: 2024-01-18. Review status: criteria provided, single submitter. Criteria: Invitae Variant Classification Sherloc (09022015). Collection method: clinical testing. Allele origin: germline.
Comment: This sequence change replaces arginine, which is basic and polar, with cysteine, which is neutral and slightly polar, at codon 49 of the USH1G protein (p.Arg49Cys). The frequency data for this variant in the population databases is considered unreliable, as metrics indicate poor data quality at this position in the gnomAD database. This variant has not been reported in the literature in individuals affected with USH1G-related conditions. ClinVar contains an entry for this variant (Variation ID: 846111). Advanced modeling of protein sequence and biophysical properties (such as structural, functional, and spatial information, amino acid conservation, physicochemical variation, residue mobility, and thermodynamic stability) performed at Invitae indicates that this missense variant is expected to disrupt USH1G protein function with a positive predictive value of 80%. In summary, the available evidence is currently insufficient to determine the role of this variant in disease. Therefore, it has been classified as a Variant of Uncertain Significance.

Institute of Human Genetics, Univ. Regensburg, Univ. Regensburg
Classification: Uncertain significance for Retinal dystrophy. Last evaluated: 2022-01-01. Review status: no assertion criteria provided. Criteria: ACMG Guidelines, 2015. Collection method: clinical testing. Allele origin: germline. Affected: yes. Not counted in ClinVar's aggregate classification.